The following is an entry in ClinVar:

ClinVar aggregate classification (germline): Uncertain significance (1 of 4 stars; one submission).

Conditions:
Lethal multiple pterygium syndrome (LMPS). Identifiers: Orphanet 33108, MedGen C1854678, MONDO:0009668, OMIM 253290.

Submission:

Labcorp Genetics (formerly Invitae), Labcorp
Classification: Uncertain significance for Lethal multiple pterygium syndrome. Last evaluated: 2021-09-20. Review status: criteria provided, single submitter. Criteria: Invitae Variant Classification Sherloc (09022015). Collection method: clinical testing. Allele origin: germline.
Comment: This variant is not present in population databases (ExAC no frequency). In summary, the available evidence is currently insufficient to determine the role of this variant in disease. Therefore, it has been classified as a Variant of Uncertain Significance. This variant has not been reported in the literature in individuals affected with CHRND-related conditions. Variants that disrupt the consensus splice site are a relatively common cause of aberrant splicing (PMID: 17576681, 9536098). Algorithms developed to predict the effect of sequence changes on RNA splicing suggest that this variant is not likely to affect RNA splicing. This sequence change falls in intron 1 of the CHRND gene. It does not directly change the encoded amino acid sequence of the CHRND protein. It affects a nucleotide within the consensus splice site of the intron.

Literature cited by the submitters: PubMed 17576681; PubMed 9536098.

NM_000751.3(CHRND):c.52+6G>A

Gene: CHRND (cholinergic receptor nicotinic delta subunit; plus strand). Cytogenetic location: 2q37.1.
Variant type: single nucleotide variant.
Coding change: c.52+6G>A on transcript NM_000751.3 (MANE Select); 6 bases into the intron after coding-DNA position 52, G replaced by A.
Molecular consequence: intron variant.
Genome position (GRCh38, 1-based): chr2:232,526,273, G>A. VCF-style: chr2-232526273-G-A. GRCh37 (hg19) VCF-style: chr2-233390983-G-A.
Other names: c.-220+6G>A (NM_001311195.2, NM_001311196.2); c.52+6G>A (NM_001256657.2).
Identifiers: ClinVar variation 1382396 (VCV001382396.6), dbSNP rs1301307735, ClinGen allele CA766130713.